The following is an entry in ClinVar:

NM_001447.3(FAT2):c.8437G>A (p.Gly2813Arg)

Genes: FAT2 (FAT atypical cadherin 2; minus strand), SLC36A1 (solute carrier family 36 member 1; plus strand). Cytogenetic location: 5q33.1.
Variant type: single nucleotide variant.
Coding change: c.8437G>A on transcript NM_001447.3 (MANE Select); coding-DNA position 8437, G replaced by A.
Protein change: p.Gly2813Arg; replaces glycine 2813 with arginine.
Molecular consequence: missense variant.
Genome position (GRCh38, 1-based): chr5:151,542,690, C>T on the plus strand (G>A on the coding strand, the complement: FAT2 is on the minus strand). VCF-style: chr5-151542690-C-T. GRCh37 (hg19) VCF-style: chr5-150922251-C-T.
Other names: short protein forms G2813R.
Identifiers: ClinVar variation 4741767 (VCV004741767.1).

ClinVar aggregate classification (germline): Uncertain significance (1 of 4 stars; one submission).

gnomAD v4.1: 3 of 1,614,214 alleles (0.00019%); highest among the groups gnomAD compares: Admixed American, 0.005%; no homozygotes.

Submission:

Labcorp Genetics (formerly Invitae), Labcorp
Classification: Uncertain significance. Last evaluated: 2025-07-22. Review status: criteria provided, single submitter. Criteria: Invitae Variant Classification Sherloc (09022015). Collection method: clinical testing. Allele origin: germline.
Comment: This sequence change replaces glycine, which is neutral and non-polar, with arginine, which is basic and polar, at codon 2813 of the FAT2 protein (p.Gly2813Arg). This variant is present in population databases (no rsID available, gnomAD 0.006%). This variant has not been reported in the literature in individuals affected with FAT2-related conditions. An algorithm developed to predict the effect of missense changes on protein structure and function (PolyPhen-2) suggests that this variant is likely to be disruptive. In summary, the available evidence is currently insufficient to determine the role of this variant in disease. Therefore, it has been classified as a Variant of Uncertain Significance.